The following is an entry in ClinVar:

ClinVar aggregate classification (germline): Likely benign (1 of 4 stars; one submission).

Conditions:
Papillary renal cell carcinoma type 1 (RCCP1). Also called: Renal adenocarcinoma; Renal cell carcinoma 1; Renal cell carcinoma, somatic; RENAL CELL CARCINOMA, PAPILLARY, 1, SOMATIC. Identifiers: Orphanet 47044, MedGen C1336839, OMIM 605074, HP:0011797.

Submission:

Myriad Genetics, Inc.
Classification: Likely benign for Papillary renal cell carcinoma type 1. Last evaluated: 2024-11-08. Review status: criteria provided, single submitter. Criteria: Myriad Autosomal Dominant, Autosomal Recessive and X-Linked Classification Criteria (2023). Collection method: clinical testing. Allele origin: unknown.
Comment: This variant is considered likely benign. This variant is intronic and is not expected to impact mRNA splicing.

NM_000245.4(MET):c.1863-14G>C

Gene: MET (MET proto-oncogene, receptor tyrosine kinase; plus strand). Cytogenetic location: 7q31.2.
Variant type: single nucleotide variant.
Coding change: c.1863-14G>C on transcript NM_000245.4 (MANE Select); 14 bases into the intron before coding-DNA position 1863, G replaced by C.
Molecular consequence: intron variant.
Genome position (GRCh38, 1-based): chr7:116,757,423, G>C. VCF-style: chr7-116757423-G-C. GRCh37 (hg19) VCF-style: chr7-116397477-G-C.
Other names: c.1863-14G>C (NM_001127500.3, NM_001324401.3); c.573-14G>C (NM_001324402.2).
Identifiers: ClinVar variation 3773316 (VCV003773316.1).